The following is an entry in ClinVar:

ClinVar aggregate classification (germline): Uncertain significance (1 of 4 stars; one submission).

Conditions:
Coffin-Siris syndrome 8. Identifiers: MedGen C5193054, MONDO:0032702, OMIM 618362.

Submission:

Baylor Genetics
Classification: Uncertain significance for Coffin-Siris syndrome 8. Last evaluated: 2019-09-06. Review status: criteria provided, single submitter. Criteria: ACMG Guidelines, 2015. Collection method: clinical testing. Allele origin: unknown. Affected: yes.
Comment: This variant was determined to be of uncertain significance according to ACMG Guidelines, 2015 [PMID:25741868].

NM_001330288.2(SMARCC2):c.137A>G (p.Asn46Ser)

Gene: SMARCC2 (SWI/SNF related, matrix associated, actin dependent regulator of chromatin subfamily c member 2; minus strand). Cytogenetic location: 12q13.2.
Variant type: single nucleotide variant.
Coding change: c.137A>G on transcript NM_001330288.2 (MANE Select); coding-DNA position 137, A replaced by G.
Protein change: p.Asn46Ser; replaces asparagine 46 with serine.
Molecular consequence: missense variant.
Genome position (GRCh38, 1-based): chr12:56,187,281, T>C on the plus strand (A>G on the coding strand, the complement: SMARCC2 is on the minus strand). VCF-style: chr12-56187281-T-C. GRCh37 (hg19) VCF-style: chr12-56581065-T-C.
Other names: c.137A>G, p.Asn46Ser (NM_001130420.3, NM_003075.5, NM_139067.4); short protein forms N46S.
Identifiers: ClinVar variation 1029507 (VCV001029507.1), dbSNP rs1877438087, ClinGen allele CA385267668.